The following is an entry in ClinVar:

ClinVar aggregate classification (germline): Likely pathogenic (1 of 4 stars; one submission).

Conditions:
Cardiovascular phenotype. Identifiers: MedGen CN230736.

Submission:

Ambry Genetics
Classification: Likely pathogenic for Cardiovascular phenotype. Last evaluated: 2020-09-15. Review status: criteria provided, single submitter. Criteria: Ambry Variant Classification Scheme 2023. Collection method: clinical testing. Allele origin: germline.
Comment: The c.5247dupT variant, located in coding exon 12 of the ALPK3 gene, results from a duplication of T at nucleotide position 5247. This changes the amino acid from a glutamic acid to a stop codon within coding exon 12 (p.E1750*). This alteration is expected to result in loss of function by premature protein truncation or nonsense-mediated mRNA decay. Based on the majority of available evidence to date, this variant is likely to be pathogenic.

NM_020778.5(ALPK3):c.4641dup (p.Glu1548Ter)

Gene: ALPK3 (alpha kinase 3; plus strand). Cytogenetic location: 15q25.3.
Variant type: Duplication.
Coding change: c.4641dup on transcript NM_020778.5 (MANE Select); coding-DNA position 4641, one base duplicated (T; older notation c.4641dupT).
Protein change: p.Glu1548Ter; replaces glutamic acid 1548 with a stop codon.
Molecular consequence: nonsense.
Genome position (GRCh38, 1-based): chr15:84,864,583, T duplicated. VCF-style (leftmost placement, unchanged base first): chr15-84864582-C-CT. GRCh37 (hg19) VCF-style: chr15-85407813-C-CT.
Other names: short protein forms E1548*.
Identifiers: ClinVar variation 1746324 (VCV001746324.2), dbSNP rs2505729802, ClinGen allele CA2580090216.